The following is an entry in ClinVar:

NM_001005242.3(PKP2):c.1593G>T (p.Ala531=)

Gene: PKP2 (plakophilin 2; minus strand). Cytogenetic location: 12p11.21.
Variant type: single nucleotide variant.
Coding change: c.1593G>T on transcript NM_001005242.3 (MANE Select); coding-DNA position 1593, G replaced by T.
Protein change: p.Ala531=; no amino-acid change (alanine 531 retained).
Molecular consequence: synonymous variant.
Genome position (GRCh38, 1-based): chr12:32,824,126, C>A on the plus strand (G>T on the coding strand, the complement: PKP2 is on the minus strand). VCF-style: chr12-32824126-C-A. GRCh37 (hg19) VCF-style: chr12-32977060-C-A.
Other names: c.1725G>T, p.Ala575= (NM_004572.4).
Identifiers: ClinVar variation 759784 (VCV000759784.33), dbSNP rs760093803, ClinGen allele CA479176602.

ClinVar aggregate classification (germline): Likely benign. Review status: criteria provided, multiple submitters, no conflicts (2 of 4 stars). 5 submissions from 5 submitters: Likely benign (5). Last evaluated 2026-01-30.

Conditions:
Arrhythmogenic right ventricular dysplasia 9 (ARVD9). Also called: ARRHYTHMOGENIC RIGHT VENTRICULAR DYSPLASIA, FAMILIAL, 9; Arrhythmogenic Right Ventricular Dysplasia/Cardiomyopathy 9. Identifiers: MedGen C1836906, MONDO:0012180, OMIM 609040.
Arrhythmogenic right ventricular cardiomyopathy (ARVD). Also called: Arrhythmogenic Right Ventricular Cardiomyopathy (ARVC); Arrhythmogenic right ventricular dysplasia; Cardiomyopathy, ARVC; Arrhythmogenic cardiomyopathy. Identifiers: Orphanet 247, MedGen C0349788, MeSH D019571, MONDO:0016587. Disease mechanism: loss of function. Inheritance: Various modes of inheritance.
Cardiovascular phenotype. Identifiers: MedGen CN230736.
Cardiomyopathy (CMYO). Also called: Cardiomyopathies. Identifiers: Orphanet 167848, MedGen C0878544, MONDO:0004994, HP:0001638. Inheritance: Various modes of inheritance.

Allele frequency attached by ClinVar (database versions not stated): TOPMed 0.00002.
gnomAD v4.1: 7 of 1,613,260 alleles (0.00043%); highest among the groups gnomAD compares: East Asian, 0.016%; no homozygotes.

Submissions (5):

Ambry Genetics
Classification: Likely benign for Cardiovascular phenotype. Last evaluated: 2026-01-30. Review status: criteria provided, single submitter. Criteria: Ambry Variant Classification Scheme 2023. Collection method: clinical testing. Allele origin: germline.

Labcorp Genetics (formerly Invitae), Labcorp
Classification: Likely benign for Arrhythmogenic right ventricular dysplasia 9. Last evaluated: 2025-06-15. Review status: criteria provided, single submitter. Criteria: Invitae Variant Classification Sherloc (09022015). Collection method: clinical testing. Allele origin: germline.

CeGaT Center for Human Genetics Tuebingen
Classification: Likely benign. Last evaluated: 2024-04-01. Review status: criteria provided, single submitter. Criteria: CeGaT Center For Human Genetics Tuebingen Variant Classification Criteria Version 2. Collection method: clinical testing. Allele origin: germline. Affected: yes. Observed: 2 variant alleles.
Comment: PKP2: BP4, BP7

All of Us Research Program, National Institutes of Health
Classification: Likely benign for Arrhythmogenic right ventricular cardiomyopathy. Last evaluated: 2024-02-05. Review status: criteria provided, single submitter. Criteria: ACMG Guidelines, 2015. Collection method: clinical testing. Allele origin: germline. Inheritance: Autosomal dominant inheritance. Observed: 6 variant alleles, 6 heterozygotes.
Comment: This study involves interpretation of variants in research participants for the purpose of population health screening. Participant phenotype was not available at the time of variant classification. Additional details can be found in publication PMID: 35346344, PMCID: PMC8962531

Color Diagnostics, LLC DBA Color Health
Classification: Likely benign for Cardiomyopathy. Last evaluated: 2018-11-27. Review status: criteria provided, single submitter. Criteria: ACMG Guidelines, 2015. Collection method: clinical testing. Allele origin: germline.